The following is an entry in ClinVar:

NM_001128840.3(CACNA1D):c.1799C>T (p.Thr600Ile)

Gene: CACNA1D (calcium voltage-gated channel subunit alpha1 D; plus strand). Cytogenetic location: 3p21.1.
Variant type: single nucleotide variant.
Coding change: c.1799C>T on transcript NM_001128840.3 (MANE Select); coding-DNA position 1799, C replaced by T.
Protein change: p.Thr600Ile; replaces threonine 600 with isoleucine.
Molecular consequence: missense variant.
Genome position (GRCh38, 1-based): chr3:53,723,566, C>T. VCF-style: chr3-53723566-C-T. GRCh37 (hg19) VCF-style: chr3-53757593-C-T.
Other names: c.1859C>T, p.Thr620Ile (NM_000720.4); c.1799C>T, p.Thr600Ile (NM_001128839.3); short protein forms T600I, T620I.
Identifiers: ClinVar variation 4697944 (VCV004697944.1).

ClinVar aggregate classification (germline): Uncertain significance (1 of 4 stars; one submission).

gnomAD v4.1: 6 of 1,614,122 alleles (0.00037%); highest among the groups gnomAD compares: African/African-American, 0.004%; no homozygotes.

Submission:

Labcorp Genetics (formerly Invitae), Labcorp
Classification: Uncertain significance. Last evaluated: 2025-09-15. Review status: criteria provided, single submitter. Criteria: Invitae Variant Classification Sherloc (09022015). Collection method: clinical testing. Allele origin: germline.
Comment: This sequence change replaces threonine, which is neutral and polar, with isoleucine, which is neutral and non-polar, at codon 620 of the CACNA1D protein (p.Thr620Ile). This variant is present in population databases (rs755476967, gnomAD 0.003%). This variant has not been reported in the literature in individuals affected with CACNA1D-related conditions. Invitae Evidence Modeling of protein sequence and biophysical properties (such as structural, functional, and spatial information, amino acid conservation, physicochemical variation, residue mobility, and thermodynamic stability) indicates that this missense variant is not expected to disrupt CACNA1D protein function with a negative predictive value of 80%. In summary, the available evidence is currently insufficient to determine the role of this variant in disease. Therefore, it has been classified as a Variant of Uncertain Significance.